The following is an entry in ClinVar:

ClinVar aggregate classification (germline): Likely benign (0 of 4 stars; one submission).

Conditions:
PKD1-related disorder. Also called: PKD1-related condition.

Allele frequency attached by ClinVar (database versions not stated): gnomAD 0.00002; gnomAD exomes 0.00002.
gnomAD v4.1: 20 of 1,088,016 alleles (0.0018%); highest among the groups gnomAD compares: East Asian, 0.0095%; no homozygotes.

Submission:

PreventionGenetics, part of Exact Sciences
Classification: Likely benign for PKD1-related condition. Last evaluated: 2022-09-06. Review status: no assertion criteria provided. Collection method: clinical testing. Allele origin: germline.
Comment: This variant is classified as likely benign based on ACMG/AMP sequence variant interpretation guidelines (Richards et al. 2015 PMID: 25741868, with internal and published modifications).

NM_001009944.3(PKD1):c.2964C>T (p.Ser988=)

Gene: PKD1 (polycystin 1, transient receptor potential channel interacting; minus strand). Cytogenetic location: 16p13.3.
Variant type: single nucleotide variant.
Coding change: c.2964C>T on transcript NM_001009944.3 (MANE Select); coding-DNA position 2964, C replaced by T.
Protein change: p.Ser988=; no amino-acid change (serine 988 retained).
Molecular consequence: synonymous variant.
Genome position (GRCh38, 1-based): chr16:2,113,182, G>A on the plus strand (C>T on the coding strand, the complement: PKD1 is on the minus strand). VCF-style: chr16-2113182-G-A. GRCh37 (hg19) VCF-style: chr16-2163183-G-A.
Other names: c.2964C>T, p.Ser988= (NM_000296.4).
Identifiers: ClinVar variation 3046889 (VCV003046889.2), dbSNP rs760951921, ClinGen allele CA7833020.